The following is an entry in ClinVar:

ClinVar aggregate classification (germline): Uncertain significance (1 of 4 stars; one submission).

Conditions:
Familial thoracic aortic aneurysm and aortic dissection (TAAD). Also called: Thoracic aortic aneurysms and dissections. Identifiers: Orphanet 91387, MedGen C4707243, MONDO:0019625.

Submission:

All of Us Research Program, National Institutes of Health
Classification: Uncertain significance for Familial thoracic aortic aneurysm and aortic dissection. Last evaluated: 2023-12-13. Review status: criteria provided, single submitter. Criteria: ACMG Guidelines, 2015. Collection method: clinical testing. Allele origin: germline. Inheritance: Autosomal dominant inheritance. Observed: 1 variant allele, 1 heterozygote.
Comment: This missense variant replaces glutamine with arginine at codon 1602 of the MYH11 protein. Computational prediction suggests that this variant may not impact protein structure and function (internally defined REVEL score threshold <= 0.5, PMID: 27666373). To our knowledge, functional studies have not been reported for this variant. This variant has not been reported in individuals affected with MYH11-related disorders in the literature. This variant has not been identified in the general population by the Genome Aggregation Database (gnomAD). The available evidence is insufficient to determine the role of this variant in disease conclusively. Therefore, this variant is classified as a Variant of Uncertain Significance.

This study involves interpretation of variants in research participants for the purpose of population health screening. Participant phenotype was not available at the time of variant classification. Additional details can be found in publication PMID: 35346344, PMCID: PMC8962531

NM_002474.3(MYH11):c.4784A>G (p.Gln1595Arg)

Genes: MYH11 (myosin heavy chain 11; minus strand), NDE1 (nudE neurodevelopment protein 1; plus strand). Cytogenetic location: 16p13.11.
Variant type: single nucleotide variant.
Coding change: c.4784A>G on transcript NM_002474.3 (MANE Select); coding-DNA position 4784, A replaced by G.
Protein change: p.Gln1595Arg; replaces glutamine 1595 with arginine.
Molecular consequence: missense variant. On other transcripts: intron variant (2).
Genome position (GRCh38, 1-based): chr16:15,720,846, T>C on the plus strand (A>G on the coding strand, the complement: MYH11 is on the minus strand). VCF-style: chr16-15720846-T-C. GRCh37 (hg19) VCF-style: chr16-15814703-T-C.
Other names: c.4805A>G, p.Gln1602Arg (NM_001040113.2, NM_001040114.2); c.4784A>G, p.Gln1595Arg (NM_022844.3); c.948-3345T>C (NM_001143979.2, NM_017668.3); short protein forms Q1595R, Q1602R.
Identifiers: ClinVar variation 3074902 (VCV003074902.1), dbSNP rs2506119984, ClinGen allele CA394853345.
Genomic context (GRCh38, chr16:15,720,846, plus strand): 5'-GAATGAAAAAGGCCACCCGACCTCCCTCTGCTGGCCTCCCCGGCAGCACGCACCTGTCTC[T>C]GCAGTTGCCTCCTCTTCTCCTCATTCTGCTCGTCCCGGGCTTGGAGATCCCTTTCGAACT-3'
Protein context (NP_002465.1, residues 1585-1605): EQNEEKRRQL[Gln1595Arg]RQLHEYETEL